The following is an entry in ClinVar:

ClinVar aggregate classification (germline): Benign/Likely benign. Review status: criteria provided, multiple submitters, no conflicts (2 of 4 stars). 6 submissions from 6 submitters: Benign (1); Likely benign (4). 1 of the submissions does not count toward it. Last evaluated 2026-07-01.

Conditions:
DNMT3B-related disorder. Also called: DNMT3B-related condition.
Centromeric instability of chromosomes 1,9 and 16 and immunodeficiency (ICF1). Also called: IMMUNE DEFICIENCY, VARIABLE, WITH CENTROMERIC INSTABILITY OF CHROMOSOMES 1, 9, AND 16; IMMUNODEFICIENCY SYNDROME, VARIABLE; Immunodeficiency-centromeric instability-facial anomalies; CENTROMERIC INSTABILITY, IMMUNODEFICIENCY SYNDROME. Identifiers: Orphanet 2268, MedGen C0398788, MONDO:0000133.
Immunodeficiency-centromeric instability-facial anomalies syndrome 1 (ICF1). Identifiers: Orphanet 2268, MedGen C4551557, MONDO:0009454, OMIM 242860.

Allele frequency attached by ClinVar (database versions not stated): ESP Exome Variant Server 0.00008; gnomAD exomes 0.00015 and 0.00060; gnomAD 0.00027 and 0.00033; TOPMed 0.00038; ExAC 0.00051; 1000 Genomes Project 30x 0.00078; 1000 Genomes Project 0.00080.

Submissions (6):

CeGaT Center for Human Genetics Tuebingen
Classification: Likely benign. Last evaluated: 2026-07-01. Review status: criteria provided, single submitter. Criteria: CeGaT Center For Human Genetics Tuebingen Variant Classification Criteria Version 2. Collection method: clinical testing. Allele origin: germline. Affected: yes. Observed: 1 variant allele.
Comment: DNMT3B: BP4, BP7

Labcorp Genetics (formerly Invitae), Labcorp
Classification: Benign for Centromeric instability of chromosomes 1,9 and 16 and immunodeficiency. Last evaluated: 2026-01-21. Review status: criteria provided, single submitter. Criteria: Invitae Variant Classification Sherloc (09022015). Collection method: clinical testing. Allele origin: germline.

Blueprint Genetics
Classification: Likely benign. Last evaluated: 2024-09-23. Review status: criteria provided, single submitter. Criteria: ACMG Guidelines, 2015. Collection method: clinical testing. Allele origin: germline.

ARUP Laboratories, Molecular Genetics and Genomics, ARUP Laboratories
Classification: Likely benign. Last evaluated: 2023-09-28. Review status: criteria provided, single submitter. Criteria: ARUP Molecular Germline Variant Investigation Process 2024. Collection method: clinical testing. Allele origin: germline.

Illumina Laboratory Services, Illumina
Classification: Likely benign for Immunodeficiency-centromeric instability-facial anomalies syndrome 1. Last evaluated: 2017-05-23. Review status: criteria provided, single submitter. Criteria: ICSL Variant Classification Criteria 13 December 2019. Collection method: clinical testing. Allele origin: germline.
Comment: This variant was observed as part of a predisposition screen in an ostensibly healthy population. A literature search was performed for the gene, cDNA change, and amino acid change (where applicable). No publications were found based on this search. Allele frequency data from public databases allowed determination this variant is unlikely to cause disease. Therefore, this variant is classified as likely benign.

PreventionGenetics, part of Exact Sciences
Classification: Likely benign for DNMT3B-related condition. Last evaluated: 2020-01-09. Review status: no assertion criteria provided. Collection method: clinical testing. Allele origin: germline. Not counted in ClinVar's aggregate classification.
Comment: This variant is classified as likely benign based on ACMG/AMP sequence variant interpretation guidelines (Richards et al. 2015 PMID: 25741868, with internal and published modifications).

NM_006892.4(DNMT3B):c.42C>T (p.Ala14=)

Gene: DNMT3B (DNA methyltransferase 3 beta; plus strand). Cytogenetic location: 20q11.21.
Variant type: single nucleotide variant.
Coding change: c.42C>T on transcript NM_006892.4 (MANE Select); coding-DNA position 42, C replaced by T.
Protein change: p.Ala14=; no amino-acid change (alanine 14 retained).
Molecular consequence: synonymous variant.
Genome position (GRCh38, 1-based): chr20:32,780,365, C>T. VCF-style: chr20-32780365-C-T. GRCh37 (hg19) VCF-style: chr20-31368171-C-T.
Other names: c.42C>T, p.Ala14= (NM_001207055.2, NM_001207056.2, NM_175848.2 and 1 more transcripts); c.78C>T, p.Ala26= (NM_175850.3).
Identifiers: ClinVar variation 530709 (VCV000530709.19), dbSNP rs730823, ClinGen allele CA9810006.